The following is an entry in ClinVar:

ClinVar aggregate classification (germline): Uncertain significance (1 of 4 stars; one submission).

Allele frequency attached by ClinVar (database versions not stated): ExAC 0.00002; gnomAD exomes 0.00003; 1000 Genomes Project 30x 0.00016; 1000 Genomes Project 0.00020.
gnomAD v4.1: 27 of 1,611,084 alleles (0.0017%); highest among the groups gnomAD compares: Admixed American, 0.01%; no homozygotes.

Submission:

Labcorp Genetics (formerly Invitae), Labcorp
Classification: Uncertain significance. Last evaluated: 2022-05-25. Review status: criteria provided, single submitter. Criteria: Invitae Variant Classification Sherloc (09022015). Collection method: clinical testing. Allele origin: germline.
Comment: In summary, the available evidence is currently insufficient to determine the role of this variant in disease. Therefore, it has been classified as a Variant of Uncertain Significance. Algorithms developed to predict the effect of missense changes on protein structure and function are either unavailable or do not agree on the potential impact of this missense change (SIFT: "Deleterious"; PolyPhen-2: "Probably Damaging"; Align-GVGD: "Class C0"). This variant has not been reported in the literature in individuals affected with LAMA1-related conditions. This variant is present in population databases (rs199554880, gnomAD 0.01%). This sequence change replaces glycine, which is neutral and non-polar, with arginine, which is basic and polar, at codon 1116 of the LAMA1 protein (p.Gly1116Arg).

NM_005559.4(LAMA1):c.3346G>A (p.Gly1116Arg)

Gene: LAMA1 (laminin subunit alpha 1; minus strand). Cytogenetic location: 18p11.31.
Variant type: single nucleotide variant.
Coding change: c.3346G>A on transcript NM_005559.4 (MANE Select); coding-DNA position 3346, G replaced by A.
Protein change: p.Gly1116Arg; replaces glycine 1116 with arginine.
Molecular consequence: missense variant.
Genome position (GRCh38, 1-based): chr18:7,013,832, C>T on the plus strand (G>A on the coding strand, the complement: LAMA1 is on the minus strand). VCF-style: chr18-7013832-C-T. GRCh37 (hg19) VCF-style: chr18-7013831-C-T.
Other names: short protein forms G1116R.
Identifiers: ClinVar variation 1426158 (VCV001426158.4), dbSNP rs199554880, ClinGen allele CA8882326.